The following is an entry in ClinVar:

ClinVar aggregate classification (germline): Likely benign (1 of 4 stars; one submission).

Allele frequency attached by ClinVar (database versions not stated): 1000 Genomes Project 30x 0.00016; 1000 Genomes Project 0.00020; gnomAD exomes 0.00097; gnomAD 0.00111; ESP Exome Variant Server 0.00115; TOPMed 0.00127; ExAC 0.00141.
gnomAD v4.1: 1,655 of 1,611,046 alleles (0.1%); highest among the groups gnomAD compares: Middle Eastern, 0.12%; 6 homozygotes.

Submission:

CeGaT Center for Human Genetics Tuebingen
Classification: Likely benign. Last evaluated: 2023-07-01. Review status: criteria provided, single submitter. Criteria: CeGaT Center For Human Genetics Tuebingen Variant Classification Criteria Version 2. Collection method: clinical testing. Allele origin: germline. Affected: yes. Observed: 1 variant allele.
Comment: RICTOR: BP4, BP7

NM_152756.5(RICTOR):c.432A>G (p.Thr144=)

Gene: RICTOR (RPTOR independent companion of MTOR complex 2; minus strand). Cytogenetic location: 5p13.1.
Variant type: single nucleotide variant.
Coding change: c.432A>G on transcript NM_152756.5 (MANE Select); coding-DNA position 432, A replaced by G.
Protein change: p.Thr144=; no amino-acid change (threonine 144 retained).
Molecular consequence: synonymous variant. On other transcripts: 5 prime UTR variant (1).
Genome position (GRCh38, 1-based): chr5:38,996,843, T>C on the plus strand (A>G on the coding strand, the complement: RICTOR is on the minus strand). VCF-style: chr5-38996843-T-C. GRCh37 (hg19) VCF-style: chr5-38996945-T-C.
Other names: c.432A>G, p.Thr144= (NM_001285439.2); c.-422A>G (NM_001285440.2).
Identifiers: ClinVar variation 2655440 (VCV002655440.24), dbSNP rs141745592, ClinGen allele CA3245715.